The following is an entry in ClinVar:

ClinVar aggregate classification (germline): Uncertain significance (1 of 4 stars; one submission).

Conditions:
Multiple endocrine neoplasia, type 2 (MEN2). Identifiers: Orphanet 653, MedGen C4048306, MONDO:0019003. Disease mechanism: gain of function.

Submission:

Color Diagnostics, LLC DBA Color Health
Classification: Uncertain significance for Multiple endocrine neoplasia, type 2. Last evaluated: 2025-08-17. Review status: criteria provided, single submitter. Criteria: ACMG Guidelines, 2015. Collection method: clinical testing. Allele origin: germline.
Comment: This variant is located in the 5' untranslated region of the RET gene. To our knowledge, functional studies have not been reported for this variant. This variant has not been reported in individuals affected with RET-related disorders in the literature. This variant has not been identified in the general population by the Genome Aggregation Database (gnomAD). The available evidence is insufficient to determine the role of this variant in disease conclusively. Therefore, this variant is classified as a Variant of Uncertain Significance.

NM_020975.6(RET):c.-9G>T

Genes: RET (ret proto-oncogene; plus strand), LOC106736614 (RET 5' regulatory region; plus strand). Cytogenetic location: 10q11.21.
Variant type: single nucleotide variant.
Coding change: c.-9G>T on transcript NM_020975.6 (MANE Select); 9 bases upstream of the start codon, G replaced by T.
Molecular consequence: 5 prime UTR variant.
Genome position (GRCh38, 1-based): chr10:43,077,250, G>T. VCF-style: chr10-43077250-G-T. GRCh37 (hg19) VCF-style: chr10-43572698-G-T.
Other names: c.-9G>T (NM_001406743.1, NM_001406744.1, NM_001406759.1 and 36 more transcripts).
Identifiers: ClinVar variation 4757896 (VCV004757896.1).